The following is an entry in ClinVar:

NM_005932.4(MIPEP):c.1008T>G (p.Phe336Leu)

Gene: MIPEP (mitochondrial intermediate peptidase; minus strand). Cytogenetic location: 13q12.12.
Variant type: single nucleotide variant.
Coding change: c.1008T>G on transcript NM_005932.4 (MANE Select); coding-DNA position 1008, T replaced by G.
Protein change: p.Phe336Leu; replaces phenylalanine 336 with leucine.
Molecular consequence: missense variant.
Genome position (GRCh38, 1-based): chr13:23,862,347, A>C on the plus strand (T>G on the coding strand, the complement: MIPEP is on the minus strand). VCF-style: chr13-23862347-A-C. GRCh37 (hg19) VCF-style: chr13-24436486-A-C.
Other names: short protein forms F336L.
Identifiers: ClinVar variation 1033046 (VCV001033046.1), dbSNP rs1870346695, ClinGen allele CA387526167.

ClinVar aggregate classification (germline): Uncertain significance (1 of 4 stars; one submission).

Conditions:
Lethal left ventricular non-compaction-seizures-hypotonia-cataract-developmental delay syndrome. Also called: Combined oxidative phosphorylation deficiency 31. Identifiers: Orphanet 478049, MedGen C4310661, MONDO:0014976, OMIM 617228.

Submission:

Baylor Genetics
Classification: Uncertain significance for Lethal left ventricular non-compaction-seizures-hypotonia-cataract-developmental delay syndrome. Last evaluated: 2018-06-28. Review status: criteria provided, single submitter. Criteria: ACMG Guidelines, 2015. Collection method: clinical testing. Allele origin: paternal. Affected: yes.
Comment: This variant was determined to be of uncertain significance according to ACMG Guidelines, 2015 [PMID:25741868].